The following is an entry in ClinVar:

NM_014994.3(MAPKBP1):c.2872A>G (p.Thr958Ala)

Gene: MAPKBP1 (mitogen-activated protein kinase binding protein 1; plus strand). Cytogenetic location: 15q15.1.
Variant type: single nucleotide variant.
Coding change: c.2872A>G on transcript NM_014994.3 (MANE Select); coding-DNA position 2872, A replaced by G.
Protein change: p.Thr958Ala; replaces threonine 958 with alanine.
Molecular consequence: missense variant. On other transcripts: non-coding transcript variant (2).
Genome position (GRCh38, 1-based): chr15:41,821,737, A>G. VCF-style: chr15-41821737-A-G. GRCh37 (hg19) VCF-style: chr15-42113935-A-G.
Other names: c.2890A>G, p.Thr964Ala (NM_001128608.2); c.2872A>G, p.Thr958Ala (NM_001265611.2); short protein forms T964A, T958A.
Identifiers: ClinVar variation 2279618 (VCV002279618.5), dbSNP rs2065001302, ClinGen allele CA391872764.
Genomic context (GRCh38, chr15:41,821,737, plus strand): 5'-GATCTGGAACCTGCACCCATTGAAGATGGTATTGTCTACCCGGAGCCGAGTGACAACCCC[A>G]CCATGGATACCAGGCAAGGATCCTGCCCTAGCCAGACCCCGTGCCCCCGTCTTCCCCTCC-3'
Protein context (NP_055809.2, residues 948-968): IVYPEPSDNP[Thr958Ala]MDTSEFQVQA

ClinVar aggregate classification (germline): Uncertain significance. Review status: criteria provided, multiple submitters, no conflicts (2 of 4 stars). 2 submissions from 2 submitters: Uncertain significance (2). Last evaluated 2023-08-10.

Conditions:
Inborn genetic diseases. Identifiers: MedGen C0950123, MeSH D030342.

Allele frequency attached by ClinVar (database versions not stated): gnomAD exomes 0.00001.
gnomAD v4.1: 4 of 1,613,240 alleles (0.00025%); highest among the groups gnomAD compares: Non-Finnish European, 0.00034%; no homozygotes.

Submissions (2):

Labcorp Genetics (formerly Invitae), Labcorp
Classification: Uncertain significance. Last evaluated: 2023-08-10. Review status: criteria provided, single submitter. Criteria: Invitae Variant Classification Sherloc (09022015). Collection method: clinical testing. Allele origin: germline.
Comment: This sequence change replaces threonine, which is neutral and polar, with alanine, which is neutral and non-polar, at codon 964 of the MAPKBP1 protein (p.Thr964Ala). This variant is not present in population databases (gnomAD no frequency). This variant has not been reported in the literature in individuals affected with MAPKBP1-related conditions. ClinVar contains an entry for this variant (Variation ID: 2279618). An algorithm developed to predict the effect of missense changes on protein structure and function (PolyPhen-2) suggests that this variant is likely to be tolerated. In summary, the available evidence is currently insufficient to determine the role of this variant in disease. Therefore, it has been classified as a Variant of Uncertain Significance.

Ambry Genetics
Classification: Uncertain significance for Inborn genetic diseases. Last evaluated: 2022-03-23. Review status: criteria provided, single submitter. Criteria: Ambry Variant Classification Scheme 2023. Collection method: clinical testing. Allele origin: germline.